The following is an entry in ClinVar:

NM_006493.2(CLN5):c.14T>C (p.Leu5Pro)

Gene: CLN5 (CLN5 lysosomal BMP synthase; plus strand). Cytogenetic location: 13q22.3.
Variant type: single nucleotide variant.
Coding change: c.14T>C on transcript NM_006493.2; coding-DNA position 14, T replaced by C.
Protein change: p.Leu5Pro; replaces leucine 5 with proline.
Molecular consequence: missense variant.
Genome position (GRCh38, 1-based): chr13:76,991,965, T>C. VCF-style: chr13-76991965-T-C. GRCh37 (hg19) VCF-style: chr13-77566100-T-C.
Other names: short protein forms L5P.
Identifiers: ClinVar variation 1304983 (VCV001304983.4), dbSNP rs2154034182, ClinGen allele CA388305568.

ClinVar aggregate classification (germline): Uncertain significance (1 of 4 stars; one submission).

Submission:

GeneDx
Classification: Uncertain significance. Last evaluated: 2019-01-31. Review status: criteria provided, single submitter. Criteria: GeneDx Variant Classification Process June 2021. Collection method: clinical testing. Allele origin: germline. Affected: yes.
Comment: Not observed in large population cohorts (Lek et al., 2016); In silico analysis, which includes protein predictors and evolutionary conservation, supports that this variant does not alter protein structure/function; Has not been previously published as pathogenic or benign to our knowledge